The following is an entry in ClinVar:

ClinVar aggregate classification (germline): Conflicting classifications of pathogenicity. Review status: criteria provided, conflicting classifications (1 of 4 stars). 3 submissions from 3 submitters: Uncertain significance (1); Likely benign (2). Last evaluated 2024-11-21.

Conditions:
Inborn genetic diseases. Identifiers: MedGen C0950123, MeSH D030342.
Vici syndrome (VICIS). Identifiers: Orphanet 1493, MedGen C1855772, MONDO:0009452, OMIM 242840.

Allele frequency attached by ClinVar (database versions not stated): ESP Exome Variant Server 0.00025; gnomAD exomes 0.00028; TOPMed 0.00031; ExAC 0.00032; gnomAD 0.00033 and 0.00035.
gnomAD v4.1: 776 of 1,613,792 alleles (0.048%); highest among the groups gnomAD compares: Non-Finnish European, 0.063%; 1 homozygote.

Submissions (3):

Blueprint Genetics
Classification: Likely benign. Last evaluated: 2024-11-21. Review status: criteria provided, single submitter. Criteria: ACMG Guidelines, 2015. Collection method: clinical testing. Allele origin: germline.

Labcorp Genetics (formerly Invitae), Labcorp
Classification: Uncertain significance for Vici syndrome. Last evaluated: 2022-08-22. Review status: criteria provided, single submitter. Criteria: Invitae Variant Classification Sherloc (09022015). Collection method: clinical testing. Allele origin: germline.
Comment: This sequence change replaces histidine, which is basic and polar, with glutamine, which is neutral and polar, at codon 1384 of the EPG5 protein (p.His1384Gln). This variant is present in population databases (rs200079588, gnomAD 0.05%). This variant has not been reported in the literature in individuals affected with EPG5-related conditions. ClinVar contains an entry for this variant (Variation ID: 570618). Algorithms developed to predict the effect of missense changes on protein structure and function output the following: SIFT: "Tolerated"; PolyPhen-2: "Benign"; Align-GVGD: "Class C0". The glutamine amino acid residue is found in multiple mammalian species, which suggests that this missense change does not adversely affect protein function. In summary, the available evidence is currently insufficient to determine the role of this variant in disease. Therefore, it has been classified as a Variant of Uncertain Significance.

Ambry Genetics
Classification: Likely benign for Inborn genetic diseases. Last evaluated: 2021-10-12. Review status: criteria provided, single submitter. Criteria: Ambry Variant Classification Scheme 2023. Collection method: clinical testing. Allele origin: germline.

NM_020964.3(EPG5):c.4152C>G (p.His1384Gln)

Gene: EPG5 (ectopic P-granules 5 autophagy tethering factor; minus strand). Cytogenetic location: 18q21.1.
Variant type: single nucleotide variant.
Coding change: c.4152C>G on transcript NM_020964.3 (MANE Select); coding-DNA position 4152, C replaced by G.
Protein change: p.His1384Gln; replaces histidine 1384 with glutamine.
Molecular consequence: missense variant.
Genome position (GRCh38, 1-based): chr18:45,910,574, G>C on the plus strand (C>G on the coding strand, the complement: EPG5 is on the minus strand). VCF-style: chr18-45910574-G-C. GRCh37 (hg19) VCF-style: chr18-43490539-G-C.
Other names: c.4152C>G, p.His1384Gln (LRG_1234t1); short protein forms H1384Q.
Identifiers: ClinVar variation 570618 (VCV000570618.9), dbSNP rs200079588, ClinGen allele CA8948975.